The following is an entry in ClinVar:

ClinVar aggregate classification (germline): Uncertain significance (1 of 4 stars; one submission).

Submission:

GeneDx
Classification: Uncertain significance. Last evaluated: 2026-06-18. Review status: criteria provided, single submitter. Criteria: GeneDx Variant Classification Process June 2021. Collection method: clinical testing. Allele origin: germline.
Comment: Not observed at significant frequency in large population cohorts (gnomAD); In silico analysis supports that this missense variant has a deleterious effect on protein structure/function; Has not been previously published as pathogenic or benign to our knowledge

NM_014491.4(FOXP2):c.1270A>C (p.Asn424His)

Gene: FOXP2 (forkhead box P2; plus strand). Cytogenetic location: 7q31.1.
Variant type: single nucleotide variant.
Coding change: c.1270A>C on transcript NM_014491.4 (MANE Select); coding-DNA position 1270, A replaced by C.
Protein change: p.Asn424His; replaces asparagine 424 with histidine.
Molecular consequence: missense variant. On other transcripts: genic downstream transcript variant (1), non-coding transcript variant (1).
Genome position (GRCh38, 1-based): chr7:114,658,069, A>C. VCF-style: chr7-114658069-A-C. GRCh37 (hg19) VCF-style: chr7-114298124-A-C.
Other names: c.1267A>C, p.Asn423His (NM_001172766.3); c.1345A>C, p.Asn449His (NM_148898.4); c.1270A>C, p.Ser424Arg (NM_148899.3); c.1321A>C, p.Asn441His (NM_148900.4); short protein forms N332H, N423H, N424H, N441H, N449H, S424R.
Identifiers: ClinVar variation 3573766 (VCV003573766.2).